The following is an entry in ClinVar:

ClinVar aggregate classification (germline): Uncertain significance. Review status: criteria provided, multiple submitters, no conflicts (2 of 4 stars). 2 submissions from 2 submitters: Uncertain significance (2). Last evaluated 2024-08-31.

Conditions:
Congenital adrenal hyperplasia due to cytochrome P450 oxidoreductase deficiency. Also called: DISORDERED STEROIDOGENESIS DUE TO POR DEFICIENCY. Identifiers: Orphanet 95699, MedGen C1860042, MONDO:0013310, OMIM 613571.

Allele frequency attached by ClinVar (database versions not stated): ExAC 0.00001; gnomAD 0.00001; gnomAD exomes 0.00002 and 0.00007; TOPMed 0.00003.
gnomAD v4.1: 102 of 1,611,540 alleles (0.0063%); highest among the groups gnomAD compares: Non-Finnish European, 0.0086%; no homozygotes.

Submissions (2):

Labcorp Genetics (formerly Invitae), Labcorp
Classification: Uncertain significance for Congenital adrenal hyperplasia due to cytochrome P450 oxidoreductase deficiency. Last evaluated: 2024-08-31. Review status: criteria provided, single submitter. Criteria: Invitae Variant Classification Sherloc (09022015). Collection method: clinical testing. Allele origin: germline.
Comment: This sequence change falls in intron 9 of the POR gene. It does not directly change the encoded amino acid sequence of the POR protein. It affects a nucleotide within the consensus splice site. This variant is present in population databases (rs782232516, gnomAD 0.007%). This variant has not been reported in the literature in individuals affected with POR-related conditions. ClinVar contains an entry for this variant (Variation ID: 360707). Variants that disrupt the consensus splice site are a relatively common cause of aberrant splicing (PMID: 17576681, 9536098). Algorithms developed to predict the effect of sequence changes on RNA splicing suggest that this variant is not likely to affect RNA splicing. In summary, the available evidence is currently insufficient to determine the role of this variant in disease. Therefore, it has been classified as a Variant of Uncertain Significance.

Illumina Laboratory Services, Illumina
Classification: Uncertain significance for Congenital adrenal hyperplasia due to cytochrome P450 oxidoreductase deficiency. Last evaluated: 2018-01-13. Review status: criteria provided, single submitter. Criteria: ICSL Variant Classification Criteria 13 December 2019. Collection method: clinical testing. Allele origin: germline.

Literature cited by the submitters: PubMed 17576681 (cited by Labcorp Genetics (formerly Invitae), Labcorp); PubMed 9536098 (cited by Labcorp Genetics (formerly Invitae), Labcorp).

NM_001395413.1(POR):c.938+3A>G

Genes: POR (cytochrome p450 oxidoreductase; plus strand), LOC126860075 (CDK7 strongly-dependent group 2 enhancer GRCh37_chr7:75612087-75613286; plus strand). Cytogenetic location: 7q11.23.
Variant type: single nucleotide variant.
Coding change: c.938+3A>G on transcript NM_001395413.1 (MANE Select); 3 bases into the intron after coding-DNA position 938, A replaced by G.
Molecular consequence: intron variant.
Genome position (GRCh38, 1-based): chr7:75,983,639, A>G. VCF-style: chr7-75983639-A-G. GRCh37 (hg19) VCF-style: chr7-75612957-A-G.
Other names: c.938+3A>G (NM_001382662.3, NM_001382659.3, NM_001367562.3 and 2 more transcripts); c.992+3A>G (NM_001382655.3).
Identifiers: ClinVar variation 360707 (VCV000360707.9), dbSNP rs782232516, ClinGen allele CA4303902.